The following is an entry in ClinVar:

NM_003611.3(OFD1):c.2489-9C>G

Gene: OFD1 (OFD1 centriole and centriolar satellite protein; plus strand). Cytogenetic location: Xp22.2.
Variant type: single nucleotide variant.
Coding change: c.2489-9C>G on transcript NM_003611.3 (MANE Select); 9 bases into the intron before coding-DNA position 2489, C replaced by G.
Molecular consequence: intron variant.
Genome position (GRCh38, 1-based): chrX:13,763,736, C>G. VCF-style: chrX-13763736-C-G. GRCh37 (hg19) VCF-style: chrX-13781855-C-G.
Other names: c.2069-9C>G (NM_001330210.2); c.2369-9C>G (NM_001330209.2).
Identifiers: ClinVar variation 3235966 (VCV003235966.1), dbSNP rs2518970744, ClinGen allele CA2825002897.

ClinVar aggregate classification (germline): Uncertain significance (1 of 4 stars; one submission).

Conditions:
Orofaciodigital syndrome I (OFD1). Also called: Papillon-Leage and Psaume Syndrome; OFDS I; Oral-Facial-Digital Syndrome Type I. Identifiers: Orphanet 2750, MedGen C1510460, MONDO:0010702, OMIM 311200.

Submission:

MVZ Medizinische Genetik Mainz
Classification: Uncertain significance for Orofaciodigital syndrome I. Last evaluated: 2023-10-02. Review status: criteria provided, single submitter. Criteria: UK Practice Guidelines For Variant Classification V4 01 2020. Collection method: clinical testing. Allele origin: germline. Inheritance: Unknown mechanism. Affected: yes. Observed: 1 variant allele.
Comment: ACMG Criteria: PM2_SUP,PP3